The following is an entry in ClinVar:

NM_203447.4(DOCK8):c.562G>A (p.Val188Met)

Gene: DOCK8 (dedicator of cytokinesis 8; plus strand). Cytogenetic location: 9p24.3.
Variant type: single nucleotide variant.
Coding change: c.562G>A on transcript NM_203447.4 (MANE Select); coding-DNA position 562, G replaced by A.
Protein change: p.Val188Met; replaces valine 188 with methionine.
Molecular consequence: missense variant.
Genome position (GRCh38, 1-based): chr9:311,987, G>A. VCF-style: chr9-311987-G-A. GRCh37 (hg19) VCF-style: chr9-311987-G-A.
Other names: c.358G>A, p.Val120Met (NM_001190458.2, NM_001193536.2); short protein forms V188M, V120M.
Identifiers: ClinVar variation 581803 (VCV000581803.10), dbSNP rs201847818, ClinGen allele CA4957320.
Genomic context (GRCh38, chr9:311,987, plus strand): 5'-ACAAAGACCCACTGTTTTCTCTCACAGGCAGGCCCCCGCCACTTAAACGTGCTGTGCGAC[G>A]TGTCTGGGAAAGGCCCCGTCACTGCCTGTGACTTTGACCTCCGCAGCCTGCAGCCTGACA-3'
Protein context (NP_982272.2, residues 178-198): GPRHLNVLCD[Val188Met]SGKGPVTACD

ClinVar aggregate classification (germline): Uncertain significance. Review status: criteria provided, multiple submitters, no conflicts (2 of 4 stars). 3 submissions from 3 submitters: Uncertain significance (3). Last evaluated 2025-01-15.

Conditions:
Inborn genetic diseases. Identifiers: MedGen C0950123, MeSH D030342.
Combined immunodeficiency due to DOCK8 deficiency (HIES2). Also called: DOCK8 Deficiency; Hyper-IgE recurrent infection syndrome, autosomal recessive; HIES autosomal recessive; HYPER-IgE RECURRENT INFECTION SYNDROME 2, AUTOSOMAL RECESSIVE; HYPER-IgE SYNDROME 2, AUTOSOMAL RECESSIVE, WITH RECURRENT INFECTIONS. Identifiers: Orphanet 217390, MedGen C4722305, MONDO:0009478, OMIM 243700.

Allele frequency attached by ClinVar (database versions not stated): gnomAD 0.00002; ExAC 0.00003; gnomAD exomes 0.00004 and 0.00005; TOPMed 0.00005; ESP Exome Variant Server 0.00008.
gnomAD v4.1: 77 of 1,614,002 alleles (0.0048%); highest among the groups gnomAD compares: Middle Eastern, 0.016%; no homozygotes.

Submissions (3):

Labcorp Genetics (formerly Invitae), Labcorp
Classification: Uncertain significance for Combined immunodeficiency due to DOCK8 deficiency. Last evaluated: 2025-01-15. Review status: criteria provided, single submitter. Criteria: Invitae Variant Classification Sherloc (09022015). Collection method: clinical testing. Allele origin: germline.
Comment: This sequence change replaces valine, which is neutral and non-polar, with methionine, which is neutral and non-polar, at codon 188 of the DOCK8 protein (p.Val188Met). This variant is present in population databases (rs201847818, gnomAD 0.02%). This variant has not been reported in the literature in individuals affected with DOCK8-related conditions. ClinVar contains an entry for this variant (Variation ID: 581803). Invitae Evidence Modeling of protein sequence and biophysical properties (such as structural, functional, and spatial information, amino acid conservation, physicochemical variation, residue mobility, and thermodynamic stability) indicates that this missense variant is not expected to disrupt DOCK8 protein function with a negative predictive value of 80%. In summary, the available evidence is currently insufficient to determine the role of this variant in disease. Therefore, it has been classified as a Variant of Uncertain Significance.

Ambry Genetics
Classification: Uncertain significance for Inborn genetic diseases. Last evaluated: 2024-11-26. Review status: criteria provided, single submitter. Criteria: Ambry Variant Classification Scheme 2023. Collection method: clinical testing. Allele origin: germline.

Baylor Genetics
Classification: Uncertain significance for Combined immunodeficiency due to DOCK8 deficiency. Last evaluated: 2019-09-06. Review status: criteria provided, single submitter. Criteria: ACMG Guidelines, 2015. Collection method: clinical testing. Allele origin: unknown. Affected: yes.
Comment: This variant was determined to be of uncertain significance according to ACMG Guidelines, 2015 [PMID:25741868].